The following is an entry in ClinVar:

ClinVar aggregate classification (germline): Uncertain significance. Review status: criteria provided, multiple submitters, no conflicts (2 of 4 stars). 3 submissions from 3 submitters: Uncertain significance (3). Last evaluated 2024-12-04.

Conditions:
Inborn genetic diseases. Identifiers: MedGen C0950123, MeSH D030342.

Allele frequency attached by ClinVar (database versions not stated): gnomAD exomes 0.00001 and 0.00002; TOPMed 0.00001; ExAC 0.00002.

Submissions (3):

Ambry Genetics
Classification: Uncertain significance for Inborn genetic diseases. Last evaluated: 2024-12-04. Review status: criteria provided, single submitter. Criteria: Ambry Variant Classification Scheme 2023. Collection method: clinical testing. Allele origin: germline.

Labcorp Genetics (formerly Invitae), Labcorp
Classification: Uncertain significance. Last evaluated: 2023-11-22. Review status: criteria provided, single submitter. Criteria: Invitae Variant Classification Sherloc (09022015). Collection method: clinical testing. Allele origin: germline.
Comment: This sequence change replaces asparagine, which is neutral and polar, with threonine, which is neutral and polar, at codon 616 of the POLR3A protein (p.Asn616Thr). This variant is present in population databases (rs779523101, gnomAD 0.009%). This variant has not been reported in the literature in individuals affected with POLR3A-related conditions. ClinVar contains an entry for this variant (Variation ID: 546325). Advanced modeling of protein sequence and biophysical properties (such as structural, functional, and spatial information, amino acid conservation, physicochemical variation, residue mobility, and thermodynamic stability) performed at Invitae indicates that this missense variant is not expected to disrupt POLR3A protein function with a negative predictive value of 80%. In summary, the available evidence is currently insufficient to determine the role of this variant in disease. Therefore, it has been classified as a Variant of Uncertain Significance.

GeneDx
Classification: Uncertain significance. Last evaluated: 2018-05-15. Review status: criteria provided, single submitter. Criteria: GeneDx Variant Classification (06012015). Collection method: clinical testing. Allele origin: germline. Affected: yes.
Comment: The N616T variant in the POLR3A gene has not been reported previously as a pathogenic variant, nor as a benign variant, to our knowledge. The N616T variant is observed in 3/33578 (0.009%) alleles from individuals of Latino background in large population cohorts (Lek et al., 2016). The N616T variant is a conservative amino acid substitution, which is not likely to impact secondary protein structure as these residues share similar properties. In-silico analyses, including protein predictors and evolutionary conservation, support a deleterious effect. We interpret N616T as a variant of uncertain significance.

NM_007055.4(POLR3A):c.1847A>C (p.Asn616Thr)

Gene: POLR3A (RNA polymerase III subunit A; minus strand). Cytogenetic location: 10q22.3.
Variant type: single nucleotide variant.
Coding change: c.1847A>C on transcript NM_007055.4 (MANE Select); coding-DNA position 1847, A replaced by C.
Protein change: p.Asn616Thr; replaces asparagine 616 with threonine.
Molecular consequence: missense variant.
Genome position (GRCh38, 1-based): chr10:78,009,599, T>G on the plus strand (A>C on the coding strand, the complement: POLR3A is on the minus strand). VCF-style: chr10-78009599-T-G. GRCh37 (hg19) VCF-style: chr10-79769357-T-G.
Other names: short protein forms N616T.
Identifiers: ClinVar variation 546325 (VCV000546325.7), dbSNP rs779523101, ClinGen allele CA5571298.